The following is an entry in ClinVar:

ClinVar aggregate classification (germline): Likely benign (1 of 4 stars; one submission).

Conditions:
White sponge nevus 1. Also called: LEUKOKERATOSIS, HEREDITARY MUCOSAL. Identifiers: MedGen C4011926, MONDO:0008676, OMIM 193900.

Allele frequency attached by ClinVar (database versions not stated): TOPMed 0.00004; gnomAD 0.00005 and 0.00013; gnomAD exomes 0.00007 and 0.00016; ExAC 0.00016; 1000 Genomes Project 0.00120; 1000 Genomes Project 30x 0.00125.

Submission:

Illumina Laboratory Services, Illumina
Classification: Likely benign for White sponge nevus 1. Last evaluated: 2017-04-27. Review status: criteria provided, single submitter. Criteria: ICSL Variant Classification Criteria 13 December 2019. Collection method: clinical testing. Allele origin: germline.
Comment: This variant was observed as part of a predisposition screen in an ostensibly healthy population. A literature search was performed for the gene, cDNA change, and amino acid change (where applicable). No publications were found based on this search. Allele frequency data from public databases allowed determination this variant is unlikely to cause disease. Therefore, this variant is classified as likely benign.

NM_002272.4(KRT4):c.466C>T (p.Gln156Ter)

Gene: KRT4 (keratin 4; minus strand). Cytogenetic location: 12q13.13.
Variant type: single nucleotide variant.
Coding change: c.466C>T on transcript NM_002272.4 (MANE Select); coding-DNA position 466, C replaced by T.
Protein change: p.Gln156Ter; replaces glutamine 156 with a stop codon.
Molecular consequence: nonsense.
Genome position (GRCh38, 1-based): chr12:52,811,974, G>A on the plus strand (C>T on the coding strand, the complement: KRT4 is on the minus strand). VCF-style: chr12-52811974-G-A. GRCh37 (hg19) VCF-style: chr12-53205758-G-A.
Other names: short protein forms Q156*.
Identifiers: ClinVar variation 309696 (VCV000309696.5), dbSNP rs535497819, ClinGen allele CA6588712.